The following is an entry in ClinVar:

NM_001287491.2(TET3):c.1371dup (p.Asp458fs)

Gene: TET3 (tet methylcytosine dioxygenase 3; plus strand). Cytogenetic location: 2p13.1.
Variant type: Duplication.
Coding change: c.1371dup on transcript NM_001287491.2 (MANE Select); coding-DNA position 1371, one base duplicated (C; older notation c.1371dupC).
Protein change: p.Asp458fs; shifts the reading frame from aspartic acid 458.
Molecular consequence: frameshift variant.
Genome position (GRCh38, 1-based): chr2:74,047,288, C duplicated; the last of 4 consecutive C bases (chr2:74,047,285-74,047,288); duplicating any one gives the same sequence. VCF-style (leftmost placement, unchanged base first): chr2-74047284-G-GC. GRCh37 (hg19) VCF-style: chr2-74274411-G-GC.
Other names: c.1092dup, p.Asp365fs (NM_001366022.1); short protein forms D365fs, D458fs.
Identifiers: ClinVar variation 4814193 (VCV004814193.1).

ClinVar aggregate classification (germline): Likely pathogenic (1 of 4 stars; one submission).

Conditions:
TET3-Related Beck-Fahrner Syndrome. Identifiers: MedGen CN381061.

Submission:

Rady Children's Institute for Genomic Medicine, Rady Children's Hospital San Diego
Classification: Likely pathogenic for TET3-related Beck-Fahrner syndrome. Last evaluated: 2024-12-03. Review status: criteria provided, single submitter. Criteria: ACMG Guidelines, 2015. Collection method: clinical testing. Allele origin: germline. Affected: yes.
Comment: This frameshifting variant in exon 3 of 11 is predicted to result in loss of normal protein function through either protein truncation or nonsense-mediated mRNA decay. Loss-of-function variation in TET3 is an established mechanism of disease (PMID: 31928709, 34750377). This variant has not been previously reported or functionally characterized in the literature to our knowledge. The c.1371dupC (p.Asp458Argfs*5) variant is absent from the latest version of the gnomAD population database and thus is presumed to be rare. Based on the available evidence, c.1371dupC (p.Asp458Argfs*5) is classified as Likely Pathogenic.

Literature cited by the submitters: PubMed 31928709; PubMed 34750377.